The following is an entry in ClinVar:

NM_001354483.2(CSGALNACT1):c.143C>G (p.Ala48Gly)

Gene: CSGALNACT1 (chondroitin sulfate N-acetylgalactosaminyltransferase 1; minus strand). Cytogenetic location: 8p21.3.
Variant type: single nucleotide variant.
Coding change: c.143C>G on transcript NM_001354483.2 (MANE Select); coding-DNA position 143, C replaced by G.
Protein change: p.Ala48Gly; replaces alanine 48 with glycine.
Molecular consequence: missense variant. On other transcripts: non-coding transcript variant (7).
Genome position (GRCh38, 1-based): chr8:19,505,692, G>C on the plus strand (C>G on the coding strand, the complement: CSGALNACT1 is on the minus strand). VCF-style: chr8-19505692-G-C. GRCh37 (hg19) VCF-style: chr8-19363203-G-C.
Other names: c.143C>G, p.Ala48Gly (NM_001130518.2, NM_001354475.2, NM_001354476.2 and 18 more transcripts); short protein forms A48G.
Identifiers: ClinVar variation 1910117 (VCV001910117.7), dbSNP rs555370310, ClinGen allele CA4654349.
Genomic context (GRCh38, chr8:19,505,692, plus strand): 5'-TGCTGCTCCTCCCACTCCTGAAGGACGGCCTGGTACCCCTCCTTCCCCGTGGGGCTGTTG[G>C]CCCTGGGCAGTGCCAGCTGCTCCTCGTCACCTTTTGGGGTGCAGGCCAACATGTACAGGA-3'
Protein context (NP_001341412.1, residues 38-58): GDEEQLALPR[Ala48Gly]NSPTGKEGYQ

ClinVar aggregate classification (germline): Uncertain significance. Review status: criteria provided, multiple submitters, no conflicts (2 of 4 stars). 2 submissions from 2 submitters: Uncertain significance (2). Last evaluated 2025-03-23.

Conditions:
Inborn genetic diseases. Identifiers: MedGen C0950123, MeSH D030342.

Allele frequency attached by ClinVar (database versions not stated): gnomAD exomes 0.00001; ExAC 0.00002; gnomAD 0.00002; TOPMed 0.00006; 1000 Genomes Project 30x 0.00016; 1000 Genomes Project 0.00020.
gnomAD v4.1: 6 of 1,614,164 alleles (0.00037%); highest among the groups gnomAD compares: African/African-American, 0.0053%; no homozygotes.

Submissions (2):

Ambry Genetics
Classification: Uncertain significance for Inborn genetic diseases. Last evaluated: 2025-03-23. Review status: criteria provided, single submitter. Criteria: Ambry Variant Classification Scheme 2023. Collection method: clinical testing. Allele origin: germline.

Labcorp Genetics (formerly Invitae), Labcorp
Classification: Uncertain significance. Last evaluated: 2025-03-18. Review status: criteria provided, single submitter. Criteria: Invitae Variant Classification Sherloc (09022015). Collection method: clinical testing. Allele origin: germline.
Comment: This sequence change replaces alanine, which is neutral and non-polar, with glycine, which is neutral and non-polar, at codon 48 of the CSGALNACT1 protein (p.Ala48Gly). This variant is present in population databases (rs555370310, gnomAD 0.007%). This variant has not been reported in the literature in individuals affected with CSGALNACT1-related conditions. ClinVar contains an entry for this variant (Variation ID: 1910117). An algorithm developed to predict the effect of missense changes on protein structure and function (PolyPhen-2) suggests that this variant is likely to be disruptive. In summary, the available evidence is currently insufficient to determine the role of this variant in disease. Therefore, it has been classified as a Variant of Uncertain Significance.